The following is an entry in ClinVar:

ClinVar aggregate classification (germline): Conflicting classifications of pathogenicity. Review status: criteria provided, conflicting classifications (1 of 4 stars). 2 submissions from 2 submitters: Uncertain significance (1); Likely benign (1). Last evaluated 2025-09-08.

Allele frequency attached by ClinVar (database versions not stated): TOPMed 0.00006; gnomAD 0.00007; ExAC 0.00008; ESP Exome Variant Server 0.00008; gnomAD exomes 0.00008.
gnomAD v4.1: 120 of 1,609,888 alleles (0.0075%); highest among the groups gnomAD compares: Non-Finnish European, 0.0094%; no homozygotes.

Submissions (2):

Labcorp Genetics (formerly Invitae), Labcorp
Classification: Uncertain significance. Last evaluated: 2025-09-08. Review status: criteria provided, single submitter. Criteria: Invitae Variant Classification Sherloc (09022015). Collection method: clinical testing. Allele origin: germline.
Comment: This sequence change replaces arginine, which is basic and polar, with cysteine, which is neutral and slightly polar, at codon 451 of the CREB3L3 protein (p.Arg451Cys). This variant is present in population databases (rs201461744, gnomAD 0.01%). This variant has not been reported in the literature in individuals affected with CREB3L3-related conditions. ClinVar contains an entry for this variant (Variation ID: 2420231). An algorithm developed to predict the effect of missense changes on protein structure and function (PolyPhen-2) suggests that this variant is likely to be tolerated. In summary, the available evidence is currently insufficient to determine the role of this variant in disease. Therefore, it has been classified as a Variant of Uncertain Significance.

Blueprint Genetics
Classification: Likely benign. Last evaluated: 2024-09-20. Review status: criteria provided, single submitter. Criteria: ACMG Guidelines, 2015. Collection method: clinical testing. Allele origin: germline.

NM_032607.3(CREB3L3):c.1351C>T (p.Arg451Cys)

Genes: CREB3L3 (cAMP responsive element binding protein 3 like 3; plus strand), LOC125371455 (Sharpr-MPRA regulatory region 11650; plus strand). Cytogenetic location: 19p13.3.
Variant type: single nucleotide variant.
Coding change: c.1351C>T on transcript NM_032607.3 (MANE Select); coding-DNA position 1351, C replaced by T.
Protein change: p.Arg451Cys; replaces arginine 451 with cysteine.
Molecular consequence: missense variant. On other transcripts: 3 prime UTR variant (1).
Genome position (GRCh38, 1-based): chr19:4,171,934, C>T. VCF-style: chr19-4171934-C-T. GRCh37 (hg19) VCF-style: chr19-4171931-C-T.
Other names: c.1348C>T, p.Arg450Cys (NM_001271995.2); c.1345C>T, p.Arg449Cys (NM_001271996.2); c.*230C>T (NM_001271997.2); short protein forms R449C, R450C, R451C.
Identifiers: ClinVar variation 2420231 (VCV002420231.6), dbSNP rs201461744, ClinGen allele CA9091691.
Genomic context (GRCh38, chr19:4,171,934, plus strand): 5'-GGGCTGGGCCAGGTCGCCCTGCTGGACTGGGTGGCGCCTGGGCCGAGCACTGGCTCAGGA[C>T]GTGCAGGGCTGGAGGCGGCGGGAGACGAGCTGTGAGCCCCGCCAGGACTATGCTCCCAGG-3'
Protein context (NP_115996.1, residues 441-461): VAPGPSTGSG[Arg451Cys]AGLEAAGDEL